The following is an entry in ClinVar:

NM_004999.4(MYO6):c.*1627A>G

Gene: MYO6 (myosin VI; plus strand). Cytogenetic location: 6q14.1.
Variant type: single nucleotide variant.
Coding change: c.*1627A>G on transcript NM_004999.4 (MANE Select); 1627 bases downstream of the stop codon, A replaced by G.
Molecular consequence: 3 prime UTR variant. On other transcripts: non-coding transcript variant (1).
Genome position (GRCh38, 1-based): chr6:75,916,639, A>G. VCF-style: chr6-75916639-A-G. GRCh37 (hg19) VCF-style: chr6-76626356-A-G.
Other names: c.*1627A>G (NM_001300899.2, NM_001368136.1, NM_001368137.1 and 3 more transcripts).
Identifiers: ClinVar variation 358019 (VCV000358019.5), dbSNP rs147347025, ClinGen allele CA10627618.

ClinVar aggregate classification (germline): Conflicting classifications of pathogenicity. Review status: criteria provided, conflicting classifications (1 of 4 stars). 2 submissions from 1 submitter: Uncertain significance (1); Benign (1). Last evaluated 2018-01-12.

Conditions:
Autosomal recessive nonsyndromic hearing loss 37. Identifiers: Orphanet 90636, MedGen C1843028, MONDO:0011912, OMIM 607821.
Autosomal dominant nonsyndromic hearing loss 22. Also called: Autosomal dominant nonsyndromic deafness 22; DFNA 22. Identifiers: Orphanet 228012, MedGen C2931767, MONDO:0011660, OMIM 606346.

Allele frequency attached by ClinVar (database versions not stated): gnomAD 0.00263 and 0.00273; TOPMed 0.00305; 1000 Genomes Project 0.00499; 1000 Genomes Project 30x 0.00515.

Submissions (2):

Illumina Laboratory Services, Illumina
Classification: Benign for Autosomal dominant nonsyndromic hearing loss 22. Last evaluated: 2018-01-12. Review status: criteria provided, single submitter. Criteria: ICSL Variant Classification Criteria 13 December 2019. Collection method: clinical testing. Allele origin: germline.
Comment: This variant was observed in the ICSL laboratory as part of a predisposition screen in an ostensibly healthy population. It had not been previously curated by ICSL or reported in the Human Gene Mutation Database (HGMD: prior to June 1st, 2018), and was therefore a candidate for classification through an automated scoring system. Utilizing variant allele frequency, disease prevalence and penetrance estimates, and inheritance mode, an automated score was calculated to assess if this variant is too frequent to cause the disease. Based on the score and internal cut-off values, a variant classified as benign is not then subjected to further curation. The score for this variant resulted in a classification of benign for this disease.

Illumina Laboratory Services, Illumina
Classification: Uncertain significance for Autosomal recessive nonsyndromic hearing loss 37. Last evaluated: 2018-01-12. Review status: criteria provided, single submitter. Criteria: ICSL Variant Classification Criteria 13 December 2019. Collection method: clinical testing. Allele origin: germline.